The following is an entry in ClinVar:

ClinVar aggregate classification (germline): Benign (0 of 4 stars; one submission).

Conditions:
FSIP2-related disorder. Also called: FSIP2-related condition.

Allele frequency attached by ClinVar (database versions not stated): gnomAD exomes 0.00150; ExAC 0.00192; 1000 Genomes Project 0.01597; 1000 Genomes Project 30x 0.01765.
gnomAD v4.1: 4,388 of 1,527,014 alleles (0.29%); highest among the groups gnomAD compares: African/African-American, 5.1%; 83 homozygotes.

Submissions (6):

PreventionGenetics, part of Exact Sciences
Classification: Benign for FSIP2-related condition. Last evaluated: 2019-02-24. Review status: no assertion criteria provided. Collection method: clinical testing. Allele origin: germline.
Comment: This variant is classified as benign based on ACMG/AMP sequence variant interpretation guidelines (Richards et al. 2015 PMID: 25741868, with internal and published modifications).

Dr. Peter K. Rogan Lab, Western University
No classification provided (evidence only). Condition: Uterine corpus endometrial carcinoma. Review status: no classification provided. Collection method: in vitro. Allele origin: not applicable. Functional consequence: retained intron. Not counted in ClinVar's aggregate classification.

Dr. Peter K. Rogan Lab, Western University
No classification provided (evidence only). Condition: Uterine corpus endometrial carcinoma. Review status: no classification provided. Collection method: in vitro. Allele origin: not applicable. Functional consequence: retained intron. Not counted in ClinVar's aggregate classification.

Dr. Peter K. Rogan Lab, Western University
No classification provided (evidence only). Condition: Sarcoma. Review status: no classification provided. Collection method: in vitro. Allele origin: not applicable. Functional consequence: retained intron. Not counted in ClinVar's aggregate classification.

Dr. Peter K. Rogan Lab, Western University
No classification provided (evidence only). Condition: Thymoma. Review status: no classification provided. Collection method: in vitro. Allele origin: not applicable. Functional consequence: retained intron. Not counted in ClinVar's aggregate classification.

Dr. Peter K. Rogan Lab, Western University
No classification provided (evidence only). Condition: Cholangiocarcinoma. Review status: no classification provided. Collection method: in vitro. Allele origin: not applicable. Functional consequence: retained intron. Not counted in ClinVar's aggregate classification.

NM_173651.4(FSIP2):c.10233A>G (p.Gln3411=)

Genes: FSIP2 (fibrous sheath interacting protein 2; plus strand), FSIP2-AS1 (FSIP2 antisense RNA 1; minus strand). Cytogenetic location: 2q32.1.
Variant type: single nucleotide variant.
Coding change: c.10233A>G on transcript NM_173651.4 (MANE Select); coding-DNA position 10233, A replaced by G.
Protein change: p.Gln3411=; no amino-acid change (glutamine 3411 retained).
Molecular consequence: synonymous variant.
Genome position (GRCh38, 1-based): chr2:185,797,369, A>G. VCF-style: chr2-185797369-A-G. GRCh37 (hg19) VCF-style: chr2-186662096-A-G.
Other names: NC_000002.11:g.186662096A>G.
Identifiers: ClinVar variation 3055933 (VCV003055933.3), dbSNP rs77383516, ClinGen allele CA2016905.